The following is an entry in ClinVar:

ClinVar aggregate classification (germline): Uncertain significance (1 of 4 stars; one submission).

Allele frequency attached by ClinVar (database versions not stated): TOPMed 0.00001.
gnomAD v4.1: 2 of 1,596,394 alleles (0.00013%); highest among the groups gnomAD compares: Admixed American, 0.0017%; no homozygotes.

Submission:

Labcorp Genetics (formerly Invitae), Labcorp
Classification: Uncertain significance. Last evaluated: 2022-05-25. Review status: criteria provided, single submitter. Criteria: Invitae Variant Classification Sherloc (09022015). Collection method: clinical testing. Allele origin: germline.
Comment: This sequence change replaces alanine, which is neutral and non-polar, with serine, which is neutral and polar, at codon 924 of the DMXL2 protein (p.Ala924Ser). This variant is present in population databases (no rsID available, gnomAD 0.003%). This variant has not been reported in the literature in individuals affected with DMXL2-related conditions. Algorithms developed to predict the effect of missense changes on protein structure and function (SIFT, PolyPhen-2, Align-GVGD) all suggest that this variant is likely to be tolerated. In summary, the available evidence is currently insufficient to determine the role of this variant in disease. Therefore, it has been classified as a Variant of Uncertain Significance.

NM_001378457.1(DMXL2):c.2770G>T (p.Ala924Ser)

Gene: DMXL2 (Dmx like 2; minus strand). Cytogenetic location: 15q21.2.
Variant type: single nucleotide variant.
Coding change: c.2770G>T on transcript NM_001378457.1 (MANE Select); coding-DNA position 2770, G replaced by T.
Protein change: p.Ala924Ser; replaces alanine 924 with serine.
Molecular consequence: missense variant. On other transcripts: non-coding transcript variant (2), intron variant (2).
Genome position (GRCh38, 1-based): chr15:51,503,028, C>A on the plus strand (G>T on the coding strand, the complement: DMXL2 is on the minus strand). VCF-style: chr15-51503028-C-A. GRCh37 (hg19) VCF-style: chr15-51795225-C-A.
Other names: c.2770G>T, p.Ala924Ser (NM_001174116.3, NM_001378458.1, NM_001378459.1 and 4 more transcripts); c.2530G>T, p.Ala844Ser (NM_001378464.1); c.2764+4106G>T (NM_001378460.1, NM_001174117.3); short protein forms A924S, A844S.
Identifiers: ClinVar variation 2191381 (VCV002191381.1), dbSNP rs755681885, ClinGen allele CA392438863.